The following is an entry in ClinVar:

NM_001197104.2(KMT2A):c.6646A>T (p.Met2216Leu)

Gene: KMT2A (lysine methyltransferase 2A; plus strand). Cytogenetic location: 11q23.3.
Variant type: single nucleotide variant.
Coding change: c.6646A>T on transcript NM_001197104.2 (MANE Select); coding-DNA position 6646, A replaced by T.
Protein change: p.Met2216Leu; replaces methionine 2216 with leucine.
Molecular consequence: missense variant.
Genome position (GRCh38, 1-based): chr11:118,502,538, A>T. VCF-style: chr11-118502538-A-T. GRCh37 (hg19) VCF-style: chr11-118373253-A-T.
Other names: c.6736A>T, p.Met2246Leu (NM_001412597.1); c.6637A>T, p.Met2213Leu (NM_005933.4); short protein forms M2246L, M2213L, M2216L.
Identifiers: ClinVar variation 2868503 (VCV002868503.3), dbSNP rs527501404, ClinGen allele CA382802531.

ClinVar aggregate classification (germline): Uncertain significance (1 of 4 stars; one submission).

Submission:

Labcorp Genetics (formerly Invitae), Labcorp
Classification: Uncertain significance. Last evaluated: 2023-11-06. Review status: criteria provided, single submitter. Criteria: Invitae Variant Classification Sherloc (09022015). Collection method: clinical testing. Allele origin: germline.
Comment: This sequence change replaces methionine, which is neutral and non-polar, with leucine, which is neutral and non-polar, at codon 2216 of the KMT2A protein (p.Met2216Leu). This variant is not present in population databases (gnomAD no frequency). This variant has not been reported in the literature in individuals affected with KMT2A-related conditions. Advanced modeling of protein sequence and biophysical properties (such as structural, functional, and spatial information, amino acid conservation, physicochemical variation, residue mobility, and thermodynamic stability) performed at Invitae indicates that this missense variant is not expected to disrupt KMT2A protein function with a negative predictive value of 95%. In summary, the available evidence is currently insufficient to determine the role of this variant in disease. Therefore, it has been classified as a Variant of Uncertain Significance.